The following is an entry in ClinVar:

NM_020964.3(EPG5):c.2846A>T (p.Tyr949Phe)

Gene: EPG5 (ectopic P-granules 5 autophagy tethering factor; minus strand). Cytogenetic location: 18q21.1.
Variant type: single nucleotide variant.
Coding change: c.2846A>T on transcript NM_020964.3 (MANE Select); coding-DNA position 2846, A replaced by T.
Protein change: p.Tyr949Phe; replaces tyrosine 949 with phenylalanine.
Molecular consequence: missense variant.
Genome position (GRCh38, 1-based): chr18:45,922,593, T>A on the plus strand (A>T on the coding strand, the complement: EPG5 is on the minus strand). VCF-style: chr18-45922593-T-A. GRCh37 (hg19) VCF-style: chr18-43502559-T-A.
Other names: short protein forms Y949F.
Identifiers: ClinVar variation 842368 (VCV000842368.10), dbSNP rs2050184005, ClinGen allele CA402344522.

ClinVar aggregate classification (germline): Uncertain significance (1 of 4 stars; one submission).

Conditions:
Vici syndrome (VICIS). Identifiers: Orphanet 1493, MedGen C1855772, MONDO:0009452, OMIM 242840.

Submission:

Labcorp Genetics (formerly Invitae), Labcorp
Classification: Uncertain significance for Vici syndrome. Last evaluated: 2019-02-10. Review status: criteria provided, single submitter. Criteria: Invitae Variant Classification Sherloc (09022015). Collection method: clinical testing. Allele origin: germline.
Comment: This sequence change replaces tyrosine with phenylalanine at codon 949 of the EPG5 protein (p.Tyr949Phe). The tyrosine residue is moderately conserved and there is a small physicochemical difference between tyrosine and phenylalanine. This variant is not present in population databases (ExAC no frequency). This variant has not been reported in the literature in individuals with EPG5-related conditions. Algorithms developed to predict the effect of missense changes on protein structure and function are either unavailable or do not agree on the potential impact of this missense change (SIFT: "Deleterious"; PolyPhen-2: "Probably Damaging"; Align-GVGD: "Class C0"). In summary, the available evidence is currently insufficient to determine the role of this variant in disease. Therefore, it has been classified as a Variant of Uncertain Significance.